The following is an entry in ClinVar:

ClinVar aggregate classification (germline): Likely benign (1 of 4 stars; one submission).

gnomAD v4.1: 4 of 1,614,236 alleles (0.00025%); highest among the groups gnomAD compares: Middle Eastern, 0.016%; no homozygotes.

Submission:

CeGaT Center for Human Genetics Tuebingen
Classification: Likely benign. Last evaluated: 2023-03-01. Review status: criteria provided, single submitter. Criteria: CeGaT Center For Human Genetics Tuebingen Variant Classification Criteria Version 2. Collection method: clinical testing. Allele origin: germline. Affected: yes. Observed: 1 variant allele.
Comment: SCNN1B: PM2:Supporting, BP4, BP7

NM_000336.3(SCNN1B):c.1335G>A (p.Lys445=)

Gene: SCNN1B (sodium channel epithelial 1 subunit beta; plus strand). Cytogenetic location: 16p12.2.
Variant type: single nucleotide variant.
Coding change: c.1335G>A on transcript NM_000336.3 (MANE Select); coding-DNA position 1335, G replaced by A.
Protein change: p.Lys445=; no amino-acid change (lysine 445 retained).
Molecular consequence: synonymous variant.
Genome position (GRCh38, 1-based): chr16:23,377,229, G>A. VCF-style: chr16-23377229-G-A. GRCh37 (hg19) VCF-style: chr16-23388550-G-A.
Other names: c.1227G>A, p.Lys409= (NM_001410900.1).
Identifiers: ClinVar variation 2646320 (VCV002646320.24), dbSNP rs371686339, ClinGen allele CA279487779.